The following is an entry in ClinVar:

ClinVar aggregate classification (germline): Pathogenic (1 of 4 stars; one submission).

Conditions:
Hereditary cancer-predisposing syndrome. Also called: Neoplastic Syndromes, Hereditary; Hereditary Cancer Syndrome; Hereditary neoplastic syndrome; Tumor predisposition. Identifiers: Orphanet 140162, MedGen C0027672, MeSH D009386, MONDO:0015356.

Submission:

Ambry Genetics
Classification: Pathogenic for Hereditary cancer-predisposing syndrome. Last evaluated: 2017-02-13. Review status: criteria provided, single submitter. Criteria: Ambry Variant Classification Scheme 2023. Collection method: clinical testing. Allele origin: germline.
Comment: The c.799delT pathogenic mutation, located in coding exon 9 of the BRCA1 gene, results from a deletion of one nucleotide at nucleotide position 799, causing a translational frameshift with a predicted alternate stop codon (p.S267Qfs*31). This alteration is expected to result in loss of function by premature protein truncation or nonsense-mediated mRNA decay. As such, this alteration is interpreted as a disease-causing mutation.

NM_007294.4(BRCA1):c.799del (p.Ser267fs)

Gene: BRCA1 (BRCA1 DNA repair associated; minus strand). Cytogenetic location: 17q21.31.
Variant type: Deletion.
Coding change: c.799del on transcript NM_007294.4 (MANE Select); coding-DNA position 799, one base deleted (T; older notation c.799delT).
Protein change: p.Ser267fs; shifts the reading frame from serine 267.
Molecular consequence: frameshift variant. On other transcripts: 5 prime UTR variant (2), intron variant (137).
Genome position (GRCh38, 1-based): chr17:43,094,732, A deleted on the plus strand (T on the coding strand, the reverse complement: BRCA1 is on the minus strand); the first of 3 consecutive A bases (chr17:43,094,732-43,094,734); deleting any one gives the same sequence. VCF-style (leftmost placement, unchanged base first): chr17-43094731-GA-G. GRCh37 (hg19) VCF-style: chr17-41246748-GA-G.
Other names: c.799delT (NM_007294.3); c.721del, p.Ser241fs (NM_001407654.1, NM_001407655.1, NM_001407656.1 and 4 more transcripts); c.718del, p.Ser240fs (NM_001407659.1, NM_001407660.1, NM_001407661.1 and 1 more transcripts); c.676del, p.Ser226fs (NM_001407664.1, NM_001407665.1, NM_001407666.1 and 19 more transcripts); c.673del, p.Ser225fs (NM_001407670.1, NM_001407671.1, NM_001407672.1 and 11 more transcripts); c.799del, p.Ser267fs (NM_001407684.1, NM_001407854.1, NM_001407858.1 and 30 more transcripts); c.658del, p.Ser220fs (NM_001407692.1, NM_001407694.1, NM_001407695.1 and 29 more transcripts); c.655del, p.Ser219fs (NM_001407740.1, NM_001407741.1, NM_001407742.1 and 20 more transcripts); and 41 more; short protein forms S220fs, S267fs, S139fs, S179fs, S199fs, S200fs, S266fs, S155fs.
Identifiers: ClinVar variation 479251 (VCV000479251.6), dbSNP rs80357724, ClinGen allele CA658656633.
Genomic context (GRCh38, chr17:43,094,731, plus strand): 5'-TTCTCATGCTGTAATGAGCTGGCATGAGTATTTGTGCCACATGGCTCCACATGCAAGTTT[GA>G]AACAGAACTACCCTGATACTTTTCTGGATGCCTCTCAGCTGCACGCTTCTCAGTGGTGTT-3'